The following is an entry in ClinVar:

ClinVar aggregate classification (germline): Likely benign. Review status: criteria provided, single submitter (1 of 4 stars). 2 submissions from 2 submitters: Likely benign (1). 1 of the submissions does not count toward it. Last evaluated 2025-04-04.

Conditions:
IGHMBP2-related disorder. Also called: IGHMBP2-related disorders; IGHMBP2-related condition.
Autosomal recessive distal spinal muscular atrophy 1. Also called: NEURONOPATHY, DISTAL HEREDITARY MOTOR, HARDING TYPE VI; NEUROPATHY, DISTAL HEREDITARY MOTOR, AUTOSOMAL RECESSIVE 1; HMN VI; NEURONOPATHY, SEVERE INFANTILE AXONAL, WITH RESPIRATORY FAILURE; SEVERE INFANTILE AXONAL NEUROPATHY WITH RESPIRATORY FAILURE; SPINAL MUSCULAR ATROPHY, DIAPHRAGMATIC. Identifiers: Orphanet 98920, MedGen C1858517, MONDO:0011436, OMIM 604320.
Charcot-Marie-Tooth disease axonal type 2S. Also called: CHARCOT-MARIE-TOOTH DISEASE, AXONAL, AUTOSOMAL RECESSIVE, TYPE 2S; CHARCOT-MARIE-TOOTH NEUROPATHY, TYPE 2S. Identifiers: Orphanet 443073, MedGen C4015349, MONDO:0014511, OMIM 616155.

Allele frequency attached by ClinVar (database versions not stated): gnomAD exomes below 0.00001; ExAC 0.00001; gnomAD 0.00001; TOPMed 0.00001.
gnomAD v4.1: 7 of 1,613,770 alleles (0.00043%); highest among the groups gnomAD compares: Admixed American, 0.005%; no homozygotes.

Submissions (2):

Labcorp Genetics (formerly Invitae), Labcorp
Classification: Likely benign for Autosomal recessive distal spinal muscular atrophy 1; Charcot-Marie-Tooth disease axonal type 2S. Last evaluated: 2025-04-04. Review status: criteria provided, single submitter. Criteria: Invitae Variant Classification Sherloc (09022015). Collection method: clinical testing. Allele origin: germline.

PreventionGenetics, part of Exact Sciences
Classification: Likely benign for IGHMBP2-related condition. Last evaluated: 2023-03-15. Review status: no assertion criteria provided. Collection method: clinical testing. Allele origin: germline. Not counted in ClinVar's aggregate classification.
Comment: This variant is classified as likely benign based on ACMG/AMP sequence variant interpretation guidelines (Richards et al. 2015 PMID: 25741868, with internal and published modifications).

NM_002180.3(IGHMBP2):c.1986T>C (p.Ala662=)

Gene: IGHMBP2 (immunoglobulin mu DNA binding protein 2; plus strand). Cytogenetic location: 11q13.3.
Variant type: single nucleotide variant.
Coding change: c.1986T>C on transcript NM_002180.3 (MANE Select); coding-DNA position 1986, T replaced by C.
Protein change: p.Ala662=; no amino-acid change (alanine 662 retained).
Molecular consequence: synonymous variant.
Genome position (GRCh38, 1-based): chr11:68,936,466, T>C. VCF-style: chr11-68936466-T-C. GRCh37 (hg19) VCF-style: chr11-68703934-T-C.
Identifiers: ClinVar variation 2923711 (VCV002923711.5), dbSNP rs778151623, ClinGen allele CA6153820.